The following is an entry in ClinVar:

NM_017514.5(PLXNA3):c.3751C>T (p.Arg1251Cys)

Gene: PLXNA3 (plexin A3; plus strand). Cytogenetic location: Xq28.
Variant type: single nucleotide variant.
Coding change: c.3751C>T on transcript NM_017514.5 (MANE Select); coding-DNA position 3751, C replaced by T.
Protein change: p.Arg1251Cys; replaces arginine 1251 with cysteine.
Molecular consequence: missense variant.
Genome position (GRCh38, 1-based): chrX:154,467,932, C>T. VCF-style: chrX-154467932-C-T. GRCh37 (hg19) VCF-style: chrX-153696275-C-T.
Other names: short protein forms R1251C.
Identifiers: ClinVar variation 4977680 (VCV004977680.1).

ClinVar aggregate classification (germline): Uncertain significance (1 of 4 stars; one submission).

Conditions:
PLXNA3-related disorder. Also called: PLXNA3-related condition.

gnomAD v4.1: 4 of 1,209,102 alleles (0.00033%); highest among the groups gnomAD compares: African/African-American, 0.0035%; no homozygotes.

Submission:

PreventionGenetics, part of Exact Sciences
Classification: Uncertain significance for PLXNA3-related condition. Last evaluated: 2026-08-23. Review status: criteria provided, single submitter. Criteria: ACMG Guidelines, 2015. Collection method: clinical testing. Allele origin: germline.
Comment: The PLXNA3 c.3751C>T variant is predicted to result in the amino acid substitution p.Arg1251Cys. To our knowledge, this variant has not been reported in the literature. This variant is reported in 0.016% of alleles in individuals of African descent in gnomAD. At this time, the clinical significance of this variant is uncertain due to the absence of conclusive functional and genetic evidence.